The following is an entry in ClinVar:

ClinVar aggregate classification (germline): Likely pathogenic (1 of 4 stars; one submission).

Conditions:
Sphingolipid activator protein 1 deficiency. Also called: Saposin B Deficiency; METACHROMATIC LEUKODYSTROPHY DUE TO CEREBROSIDE SULFATASE ACTIVATOR DEFICIENCY; Metachromatic leukodystrophy due to saposin B deficiency. Identifiers: Orphanet 512, MedGen C0268262, MONDO:0009590, OMIM 249900.

Submission:

Labcorp Genetics (formerly Invitae), Labcorp
Classification: Likely pathogenic for Sphingolipid activator protein 1 deficiency. Last evaluated: 2020-12-06. Review status: criteria provided, single submitter. Criteria: Invitae Variant Classification Sherloc (09022015). Collection method: clinical testing. Allele origin: germline.
Comment: In summary, the currently available evidence indicates that the variant is pathogenic, but additional data are needed to prove that conclusively. Therefore, this variant has been classified as Likely Pathogenic. This variant has not been reported in the literature in individuals with PSAP-related conditions. This variant is not present in population databases (ExAC no frequency). This sequence change affects an acceptor splice site in intron 6 of the PSAP gene. It is expected to disrupt RNA splicing. Variants that disrupt the donor or acceptor splice site typically lead to a loss of protein function (PMID: 16199547), and loss-of-function variants in PSAP are known to be pathogenic (PMID: 11309366, 19267410).

Literature cited by the submitters: PubMed 16199547; PubMed 11309366; PubMed 19267410.

NM_002778.4(PSAP):c.721-1G>C

Gene: PSAP (prosaposin; minus strand). Cytogenetic location: 10q22.1.
Variant type: single nucleotide variant.
Coding change: c.721-1G>C on transcript NM_002778.4 (MANE Select); the canonical splice acceptor site of the intron before coding-DNA position 721, G replaced by C.
Molecular consequence: splice acceptor variant.
Genome position (GRCh38, 1-based): chr10:71,825,894, C>G on the plus strand (G>C on the coding strand, the complement: PSAP is on the minus strand). VCF-style: chr10-71825894-C-G. GRCh37 (hg19) VCF-style: chr10-73585651-C-G.
Other names: c.721-1G>C (NM_001042466.3, NM_001042465.3).
Identifiers: ClinVar variation 1474470 (VCV001474470.8), dbSNP rs1842392331, ClinGen allele CA377149663.